The following is an entry in ClinVar:

NM_017617.5(NOTCH1):c.6291G>A (p.Pro2097=)

Gene: NOTCH1 (notch receptor 1; minus strand). Cytogenetic location: 9q34.3.
Variant type: single nucleotide variant.
Coding change: c.6291G>A on transcript NM_017617.5 (MANE Select); coding-DNA position 6291, G replaced by A.
Protein change: p.Pro2097=; no amino-acid change (proline 2097 retained).
Molecular consequence: synonymous variant.
Genome position (GRCh38, 1-based): chr9:136,497,448, C>T on the plus strand (G>A on the coding strand, the complement: NOTCH1 is on the minus strand). VCF-style: chr9-136497448-C-T. GRCh37 (hg19) VCF-style: chr9-139391900-C-T.
Other names: c.6291G>A, p.Pro2097= (LRG_1122t1).
Identifiers: ClinVar variation 415427 (VCV000415427.24), dbSNP rs201987555, ClinGen allele CA5339946.

ClinVar aggregate classification (germline): Conflicting classifications of pathogenicity. Review status: criteria provided, conflicting classifications (1 of 4 stars). 8 submissions from 8 submitters: Uncertain significance (1); Benign (1); Likely benign (6). Last evaluated 2026-09-01.

Conditions:
Connective tissue disorder. Also called: Connective tissue disease. Identifiers: MedGen C0009782, MONDO:0003900.
Adams-Oliver syndrome 5 (AOS5). Identifiers: Orphanet 974, MedGen C4014970, MONDO:0014459, OMIM 616028.
Familial thoracic aortic aneurysm and aortic dissection (TAAD). Also called: Thoracic aortic aneurysms and dissections. Identifiers: Orphanet 91387, MedGen C4707243, MONDO:0019625.

Allele frequency attached by ClinVar (database versions not stated): TOPMed 0.00008; gnomAD 0.00057.
gnomAD v4.1: 446 of 1,612,396 alleles (0.028%); highest among the groups gnomAD compares: Non-Finnish European, 0.034%; no homozygotes.

Submissions (8):

CeGaT Center for Human Genetics Tuebingen
Classification: Likely benign. Last evaluated: 2026-09-01. Review status: criteria provided, single submitter. Criteria: CeGaT Center For Human Genetics Tuebingen Variant Classification Criteria Version 2. Collection method: clinical testing. Allele origin: germline. Affected: yes. Observed: 1 variant allele.
Comment: NOTCH1: BP4, BP7

Labcorp Genetics (formerly Invitae), Labcorp
Classification: Likely benign for Adams-Oliver syndrome 5. Last evaluated: 2025-12-15. Review status: criteria provided, single submitter. Criteria: Invitae Variant Classification Sherloc (09022015). Collection method: clinical testing. Allele origin: germline.

Women's Health and Genetics/Laboratory Corporation of America, LabCorp
Classification: Benign. Last evaluated: 2025-06-23. Review status: criteria provided, single submitter. Criteria: LabCorp Variant Classification Summary - May 2015. Collection method: clinical testing. Allele origin: germline.

Blueprint Genetics
Classification: Likely benign. Last evaluated: 2024-09-03. Review status: criteria provided, single submitter. Criteria: ACMG Guidelines, 2015. Collection method: clinical testing. Allele origin: germline.

GeneDx
Classification: Likely benign. Last evaluated: 2021-01-21. Review status: criteria provided, single submitter. Criteria: GeneDx Variant Classification Process June 2021. Collection method: clinical testing. Allele origin: germline. Affected: yes.

Center for Human Genetics, Inc
Classification: Likely benign for Connective tissue disorder. Last evaluated: 2018-06-01. Review status: criteria provided, single submitter. Criteria: ACMG Guidelines, 2015. Collection method: clinical testing. Allele origin: germline. Affected: yes.

Ambry Genetics
Classification: Likely benign for Familial thoracic aortic aneurysm and aortic dissection. Last evaluated: 2016-11-22. Review status: criteria provided, single submitter. Criteria: Ambry Variant Classification Scheme 2023. Collection method: clinical testing. Allele origin: germline.

CHEO Genetics Diagnostic Laboratory, Children's Hospital of Eastern Ontario
Classification: Uncertain significance for Familial thoracic aortic aneurysm and aortic dissection. Last evaluated: 2016-06-16. Review status: criteria provided, single submitter. Criteria: ACMG Guidelines, 2015. Collection method: clinical testing. Allele origin: germline. Study: Canadian Open Genetics Repository.

Literature cited by the submitters: PubMed 24943832 (cited by Women's Health and Genetics/Laboratory Corporation of America, LabCorp); PubMed 16614245 (cited by Women's Health and Genetics/Laboratory Corporation of America, LabCorp); PubMed 21670202 (cited by Women's Health and Genetics/Laboratory Corporation of America, LabCorp); PubMed 22210878 (cited by Women's Health and Genetics/Laboratory Corporation of America, LabCorp); PubMed 19635999 (cited by Women's Health and Genetics/Laboratory Corporation of America, LabCorp); PubMed 26837699 (cited by Women's Health and Genetics/Laboratory Corporation of America, LabCorp); PubMed 23086750 (cited by Women's Health and Genetics/Laboratory Corporation of America, LabCorp); PubMed 19245433 (cited by Women's Health and Genetics/Laboratory Corporation of America, LabCorp); PubMed 22077063 (cited by Women's Health and Genetics/Laboratory Corporation of America, LabCorp); PubMed 15472075 (cited by Women's Health and Genetics/Laboratory Corporation of America, LabCorp); PubMed 23734977 (cited by Women's Health and Genetics/Laboratory Corporation of America, LabCorp); PubMed 22858860 (cited by Women's Health and Genetics/Laboratory Corporation of America, LabCorp).